The following is an entry in ClinVar:

ClinVar aggregate classification (germline): Pathogenic (1 of 4 stars; one submission).

Allele frequency attached by ClinVar (database versions not stated): TOPMed below 0.00001; gnomAD 0.00001.

Submission:

Labcorp Genetics (formerly Invitae), Labcorp
Classification: Pathogenic. Last evaluated: 2023-04-20. Review status: criteria provided, single submitter. Criteria: Invitae Variant Classification Sherloc (09022015). Collection method: clinical testing. Allele origin: germline.
Comment: For these reasons, this variant has been classified as Pathogenic. This variant has not been reported in the literature in individuals affected with CREB3L1-related conditions. This variant is not present in population databases (gnomAD no frequency). This sequence change creates a premature translational stop signal (p.Leu409Argfs*74) in the CREB3L1 gene. It is expected to result in an absent or disrupted protein product. Loss-of-function variants in CREB3L1 are known to be pathogenic (PMID: 19767743, 29936144, 31207160).

Literature cited by the submitters: PubMed 19767743; PubMed 29936144; PubMed 31207160.

NM_052854.4(CREB3L1):c.1226del (p.Leu409fs)

Gene: CREB3L1 (cAMP responsive element binding protein 3 like 1; plus strand). Cytogenetic location: 11p11.2.
Variant type: Deletion.
Coding change: c.1226del on transcript NM_052854.4 (MANE Select); coding-DNA position 1226, one base deleted (T; older notation c.1226delT).
Protein change: p.Leu409fs; shifts the reading frame from leucine 409.
Molecular consequence: frameshift variant.
Genome position (GRCh38, 1-based): chr11:46,317,455, T deleted. VCF-style (leftmost placement, unchanged base first): chr11-46317454-CT-C. GRCh37 (hg19) VCF-style: chr11-46339005-CT-C.
Other names: c.1226delT, p.Leu409Argfs (NM_001425266.1); c.1220delT, p.Leu407Argfs (NM_001425267.1); c.1088delT, p.Leu363Argfs (NM_001425268.1); c.962delT, p.Leu321Argfs (NM_001425269.1); short protein forms L409fs.
Identifiers: ClinVar variation 2857894 (VCV002857894.3), dbSNP rs1361730422, ClinGen allele CA676959572.
Genomic context (GRCh38, chr11:46,317,454, plus strand): 5'-TCCCTCGTGCCCTGCCTTCCCGAGTTCTCCTCCGGCTCCCAGACTGTGAAGGAAGACCCC[CT>C]GGCCGCAGACGGCGTCTACACGGCCAGCCAGAGTGAGTGCCCGCCTGTCATGCCAGCTCC-3'